The following is an entry in ClinVar:

ClinVar aggregate classification (germline): Uncertain significance (1 of 4 stars; one submission).

Allele frequency attached by ClinVar (database versions not stated): gnomAD exomes below 0.00001.
gnomAD v4.1: 3 of 1,613,032 alleles (0.00019%); highest among the groups gnomAD compares: Non-Finnish European, 0.00025%; no homozygotes.

Submission:

Labcorp Genetics (formerly Invitae), Labcorp
Classification: Uncertain significance. Last evaluated: 2023-05-16. Review status: criteria provided, single submitter. Criteria: Invitae Variant Classification Sherloc (09022015). Collection method: clinical testing. Allele origin: germline.
Comment: This variant is not present in population databases (gnomAD no frequency). This missense change has been observed in individual(s) with thrombotic thrombocytopenic purpura (PMID: 22627385, 30312976). In summary, the available evidence is currently insufficient to determine the role of this variant in disease. Therefore, it has been classified as a Variant of Uncertain Significance. Experimental studies have shown that this missense change affects ADAMTS13 function (PMID: 22627385). An algorithm developed to predict the effect of missense changes on protein structure and function (PolyPhen-2) suggests that this variant is likely to be disruptive. This sequence change replaces aspartic acid, which is acidic and polar, with valine, which is neutral and non-polar, at codon 1362 of the ADAMTS13 protein (p.Asp1362Val).

Literature cited by the submitters: PubMed 22627385; PubMed 30312976.

NM_139027.6(ADAMTS13):c.3917A>T (p.Asp1306Val)

Gene: ADAMTS13 (ADAM metallopeptidase with thrombospondin type 1 motif 13; plus strand). Cytogenetic location: 9q34.2.
Variant type: single nucleotide variant.
Coding change: c.3917A>T on transcript NM_139027.6 (MANE Select); coding-DNA position 3917, A replaced by T.
Protein change: p.Asp1306Val; replaces aspartic acid 1306 with valine.
Molecular consequence: missense variant. On other transcripts: non-coding transcript variant (1).
Genome position (GRCh38, 1-based): chr9:133,458,981, A>T. VCF-style: chr9-133458981-A-T. GRCh37 (hg19) VCF-style: chr9-136324103-A-T.
Other names: c.4085A>T, p.Asp1362Val (NM_139025.5); c.3824A>T, p.Asp1275Val (NM_139026.6); short protein forms D1362V, D1275V, D1306V.
Identifiers: ClinVar variation 2735367 (VCV002735367.3), dbSNP rs2490557450, ClinGen allele CA375419740.